The following is an entry in ClinVar:

ClinVar aggregate classification (germline): Uncertain significance (1 of 4 stars; one submission).

Submission:

Labcorp Genetics (formerly Invitae), Labcorp
Classification: Uncertain significance. Last evaluated: 2024-03-07. Review status: criteria provided, single submitter. Criteria: Invitae Variant Classification Sherloc (09022015). Collection method: clinical testing. Allele origin: germline.
Comment: This sequence change affects codon 368 of the KDM1A mRNA. It is a 'silent' change, meaning that it does not change the encoded amino acid sequence of the KDM1A protein. This variant is not present in population databases (gnomAD no frequency). This variant has not been reported in the literature in individuals affected with KDM1A-related conditions. Algorithms developed to predict the effect of sequence changes on RNA splicing suggest that this variant may create or strengthen a splice site. In summary, the available evidence is currently insufficient to determine the role of this variant in disease. Therefore, it has been classified as a Variant of Uncertain Significance.

NM_001009999.3(KDM1A):c.1104A>G (p.Gln368=)

Gene: KDM1A (lysine demethylase 1A; plus strand). Cytogenetic location: 1p36.12.
Variant type: single nucleotide variant.
Coding change: c.1104A>G on transcript NM_001009999.3 (MANE Select); coding-DNA position 1104, A replaced by G.
Protein change: p.Gln368=; no amino-acid change (glutamine 368 retained).
Molecular consequence: synonymous variant.
Genome position (GRCh38, 1-based): chr1:23,059,104, A>G. VCF-style: chr1-23059104-A-G. GRCh37 (hg19) VCF-style: chr1-23385597-A-G.
Other names: c.1044A>G, p.Gln348= (NM_001363654.2, NM_001410763.1, NM_015013.4); c.1104A>G, p.Gln368= (NM_001410762.1).
Identifiers: ClinVar variation 3644904 (VCV003644904.2).
Genomic context (GRCh38, chr1:23,059,104, plus strand): 5'-TGAATTTAATTGCTTGAGTTTTTTTCTAGGAGGGAATCCTATGGCTGTGGTCAGCAAACA[A>G]GTAAATATGGAACTGGCCAAGATCAAGCAAAAATGCCCACTTTATGAAGCCAACGGACAA-3'
Protein context (NP_001009999.1, residues 358-378): GGNPMAVVSK[Gln368=]VNMELAKIKQ